The following is an entry in ClinVar:

ClinVar aggregate classification (germline): Pathogenic (1 of 4 stars; one submission).

Allele frequency attached by ClinVar (database versions not stated): gnomAD 0.00001.
gnomAD v4.1: 1 of 1,614,078 alleles (0.000062%); highest among the groups gnomAD compares: African/African-American, 0.0013%; no homozygotes.

Submission:

Labcorp Genetics (formerly Invitae), Labcorp
Classification: Pathogenic. Last evaluated: 2021-06-02. Review status: criteria provided, single submitter. Criteria: Invitae Variant Classification Sherloc (09022015). Collection method: clinical testing. Allele origin: germline.
Comment: This variant has not been reported in the literature in individuals with CUL7-related conditions. This sequence change creates a premature translational stop signal (p.Gln1302*) in the CUL7 gene. It is expected to result in an absent or disrupted protein product. Loss-of-function variants in CUL7 are known to be pathogenic (PMID: 16142236, 17675530, 19225462). This variant is not present in population databases (ExAC no frequency). For these reasons, this variant has been classified as Pathogenic.

Literature cited by the submitters: PubMed 16142236; PubMed 17675530; PubMed 19225462.

NM_014780.5(CUL7):c.3904C>T (p.Gln1302Ter)

Gene: CUL7 (cullin 7; minus strand). Cytogenetic location: 6p21.1.
Variant type: single nucleotide variant.
Coding change: c.3904C>T on transcript NM_014780.5 (MANE Select); coding-DNA position 3904, C replaced by T.
Protein change: p.Gln1302Ter; replaces glutamine 1302 with a stop codon.
Molecular consequence: nonsense.
Genome position (GRCh38, 1-based): chr6:43,040,649, G>A on the plus strand (C>T on the coding strand, the complement: CUL7 is on the minus strand). VCF-style: chr6-43040649-G-A. GRCh37 (hg19) VCF-style: chr6-43008387-G-A.
Other names: c.4000C>T, p.Gln1334Ter (NM_001168370.2, NM_001374872.1); c.3904C>T, p.Gln1302Ter (NM_001374873.1); c.3901C>T, p.Gln1301Ter (NM_001374874.1); short protein forms Q1302*, Q1334*, Q1301*.
Identifiers: ClinVar variation 1402357 (VCV001402357.6), dbSNP rs761238421, ClinGen allele CA364197394.
Genomic context (GRCh38, chr6:43,040,649, plus strand): 5'-GGTAGACGTGGAACTGGCGCTGCAGCTCCTTAGAGGTGCTCAGGCTCTGCAACATCTGCT[G>A]GGGGAGGCGGTTGGGGAAGCAGGGACCGATCTGCTCCAGCACGGCCCCCTCCAGCCAGCT-3'